The following is an entry in ClinVar:

NM_000152.5(GAA):c.1128G>C (p.Trp376Cys)

Gene: GAA (alpha glucosidase; plus strand). Cytogenetic location: 17q25.3.
Variant type: single nucleotide variant.
Coding change: c.1128G>C on transcript NM_000152.5 (MANE Select); coding-DNA position 1128, G replaced by C.
Protein change: p.Trp376Cys; replaces tryptophan 376 with cysteine.
Molecular consequence: missense variant.
Genome position (GRCh38, 1-based): chr17:80,108,541, G>C. VCF-style: chr17-80108541-G-C. GRCh37 (hg19) VCF-style: chr17-78082340-G-C.
Other names: c.1128G>C, p.Trp376Cys (NM_001079804.3, NM_001406741.1, NM_001406742.1 and 1 more transcripts); short protein forms W376C.
Identifiers: ClinVar variation 3632334 (VCV003632334.2).

ClinVar aggregate classification (germline): Uncertain significance (1 of 4 stars; one submission).

Conditions:
Glycogen storage disease, type II (IOPD). Also called: CARDIOMEGALIA GLYCOGENICA DIFFUSA; Glycogen storage disease type 2; Acid maltase deficiency disease; Aglucosidase alfa; Deficiency of alpha-glucosidase; Deficiency of lysosomal alpha-glucosidase. Identifiers: Orphanet 365, MedGen C0017921, MONDO:0009290, OMIM 232300.

Submission:

Labcorp Genetics (formerly Invitae), Labcorp
Classification: Uncertain significance for Glycogen storage disease, type II. Last evaluated: 2024-03-02. Review status: criteria provided, single submitter. Criteria: Invitae Variant Classification Sherloc (09022015). Collection method: clinical testing. Allele origin: germline.
Comment: This sequence change replaces tryptophan, which is neutral and slightly polar, with cysteine, which is neutral and slightly polar, at codon 376 of the GAA protein (p.Trp376Cys). This variant is not present in population databases (gnomAD no frequency). This variant has not been reported in the literature in individuals affected with GAA-related conditions. Advanced modeling of protein sequence and biophysical properties (such as structural, functional, and spatial information, amino acid conservation, physicochemical variation, residue mobility, and thermodynamic stability) performed at Invitae indicates that this missense variant is expected to disrupt GAA protein function with a positive predictive value of 95%. In summary, the available evidence is currently insufficient to determine the role of this variant in disease. Therefore, it has been classified as a Variant of Uncertain Significance.